The following is an entry in ClinVar:

NM_001082486.2(ACD):c.357G>C (p.Gln119His)

Gene: ACD (ACD shelterin complex subunit and telomerase recruitment factor; minus strand). Cytogenetic location: 16q22.1.
Variant type: single nucleotide variant.
Coding change: c.357G>C on transcript NM_001082486.2 (MANE Select); coding-DNA position 357, G replaced by C.
Protein change: p.Gln119His; replaces glutamine 119 with histidine.
Molecular consequence: missense variant.
Genome position (GRCh38, 1-based): chr16:67,659,593, C>G on the plus strand (G>C on the coding strand, the complement: ACD is on the minus strand). VCF-style: chr16-67659593-C-G. GRCh37 (hg19) VCF-style: chr16-67693496-C-G.
Other names: c.348G>C, p.Gln116His (NM_022914.3); short protein forms Q119H, Q116H.
Identifiers: ClinVar variation 1356372 (VCV001356372.8), dbSNP rs2052958022, ClinGen allele CA396355482.
Genomic context (GRCh38, chr16:67,659,593, plus strand): 5'-TTACCAACCAGGCACCCGTAGCCGGGGCTGCTCCGTGGGCAGCAGGCTGAAGCGGTCCAC[C>G]TGGAGATAGAACTCTGCGGGCTGGAGGAGTTCGGGGGGAAGGGGGGGTCTCAGAATCGTC-3'
Protein context (NP_001075955.2, residues 109-129): EGGAPAEFYL[Gln119His]VDRFSLLPTE

ClinVar aggregate classification (germline): Uncertain significance (1 of 4 stars; one submission).

Conditions:
Dyskeratosis congenita, autosomal dominant 6 (DKCA6). Identifiers: Orphanet 3322, MedGen C4225284, MONDO:0014690, OMIM 616553.

Submission:

Labcorp Genetics (formerly Invitae), Labcorp
Classification: Uncertain significance for Dyskeratosis congenita, autosomal dominant 6. Last evaluated: 2020-12-14. Review status: criteria provided, single submitter. Criteria: Invitae Variant Classification Sherloc (09022015). Collection method: clinical testing. Allele origin: germline.
Comment: In summary, the available evidence is currently insufficient to determine the role of this variant in disease. Therefore, it has been classified as a Variant of Uncertain Significance. This sequence change replaces glutamine with histidine at codon 205 of the ACD protein (p.Gln205His). The glutamine residue is moderately conserved and there is a small physicochemical difference between glutamine and histidine. This variant is not present in population databases (ExAC no frequency). Algorithms developed to predict the effect of missense changes on protein structure and function are either unavailable or do not agree on the potential impact of this missense change (SIFT: "Deleterious"; PolyPhen-2: "Probably Damaging"; Align-GVGD: "Class C0"). This variant has not been reported in the literature in individuals with ACD-related conditions.